The following is an entry in ClinVar:

NM_020693.4(DSCAML1):c.3178G>T (p.Ala1060Ser)

Gene: DSCAML1 (DS cell adhesion molecule like 1; minus strand). Cytogenetic location: 11q23.3.
Variant type: single nucleotide variant.
Coding change: c.3178G>T on transcript NM_020693.4 (MANE Select); coding-DNA position 3178, G replaced by T.
Protein change: p.Ala1060Ser; replaces alanine 1060 with serine.
Molecular consequence: missense variant.
Genome position (GRCh38, 1-based): chr11:117,465,029, C>A on the plus strand (G>T on the coding strand, the complement: DSCAML1 is on the minus strand). VCF-style: chr11-117465029-C-A. GRCh37 (hg19) VCF-style: chr11-117335745-C-A.
Other names: c.3358G>T (NM_020693.2); short protein forms A1060S.
Identifiers: ClinVar variation 2038972 (VCV002038972.6), dbSNP rs372736535, ClinGen allele CA6296779.

ClinVar aggregate classification (germline): Uncertain significance. Review status: criteria provided, multiple submitters, no conflicts (2 of 4 stars). 2 submissions from 2 submitters: Uncertain significance (2). Last evaluated 2025-02-17.

Allele frequency attached by ClinVar (database versions not stated): ExAC 0.00001; ESP Exome Variant Server 0.00008.
gnomAD v4.1: 18 of 1,614,002 alleles (0.0011%); highest among the groups gnomAD compares: Non-Finnish European, 0.0015%; no homozygotes.

Submissions (2):

Labcorp Genetics (formerly Invitae), Labcorp
Classification: Uncertain significance. Last evaluated: 2025-02-17. Review status: criteria provided, single submitter. Criteria: Invitae Variant Classification Sherloc (09022015). Collection method: clinical testing. Allele origin: germline.
Comment: This sequence change replaces alanine, which is neutral and non-polar, with serine, which is neutral and polar, at codon 1120 of the DSCAML1 protein (p.Ala1120Ser). This variant is present in population databases (rs372736535, gnomAD 0.004%). This variant has not been reported in the literature in individuals affected with DSCAML1-related conditions. ClinVar contains an entry for this variant (Variation ID: 2038972). An algorithm developed to predict the effect of missense changes on protein structure and function (PolyPhen-2) suggests that this variant is likely to be disruptive. In summary, the available evidence is currently insufficient to determine the role of this variant in disease. Therefore, it has been classified as a Variant of Uncertain Significance.

Ambry Genetics
Classification: Uncertain significance. Last evaluated: 2023-02-22. Review status: criteria provided, single submitter. Criteria: Ambry Variant Classification Scheme 2023. Collection method: clinical testing. Allele origin: germline.